The following is an entry in ClinVar:

ClinVar aggregate classification (germline): Uncertain significance (1 of 4 stars; one submission).

Conditions:
Hereditary cancer-predisposing syndrome. Also called: Hereditary Cancer Syndrome; Neoplastic Syndromes, Hereditary; Tumor predisposition; Hereditary neoplastic syndrome. Identifiers: Orphanet 140162, MedGen C0027672, MeSH D009386, MONDO:0015356.

Submission:

Ambry Genetics
Classification: Uncertain significance for Hereditary cancer-predisposing syndrome. Last evaluated: 2025-11-11. Review status: criteria provided, single submitter. Criteria: Ambry Variant Classification Scheme 2023. Collection method: clinical testing. Allele origin: germline.
Comment: The p.L60R variant (also known as c.179T>G), located in coding exon 1 of the CDKN2A (p14ARF) gene, results from a T to G substitution at nucleotide position 179. The leucine at codon 60 is replaced by arginine, an amino acid with dissimilar properties. This amino acid position is poorly conserved in available vertebrate species. Based on the available evidence, the clinical significance of this variant remains unclear.

NM_058195.4(CDKN2A):c.179T>G (p.Leu60Arg)

Gene: CDKN2A (cyclin dependent kinase inhibitor 2A; minus strand). Cytogenetic location: 9p21.3.
Variant type: single nucleotide variant.
Coding change: c.179T>G on transcript NM_058195.4 (MANE Plus Clinical); coding-DNA position 179, T replaced by G.
Protein change: p.Leu60Arg; replaces leucine 60 with arginine.
Molecular consequence: missense variant. On other transcripts: intron variant (1).
Genome position (GRCh38, 1-based): chr9:21,994,153, A>C on the plus strand (T>G on the coding strand, the complement: CDKN2A is on the minus strand). VCF-style: chr9-21994153-A-C. GRCh37 (hg19) VCF-style: chr9-21994152-A-C.
Other names: c.-4+668T>G (NM_001363763.2); short protein forms L60R.
Identifiers: ClinVar variation 4633895 (VCV004633895.1).